The following is an entry in ClinVar:

NM_020533.3(MCOLN1):c.1047dup (p.Phe350fs)

Gene: MCOLN1 (mucolipin TRP cation channel 1; plus strand). Cytogenetic location: 19p13.2.
Variant type: Duplication.
Coding change: c.1047dup on transcript NM_020533.3 (MANE Select); coding-DNA position 1047, one base duplicated (A; older notation c.1047dupA).
Protein change: p.Phe350fs; shifts the reading frame from phenylalanine 350.
Molecular consequence: frameshift variant.
Genome position (GRCh38, 1-based): chr19:7,528,883, A duplicated; the last of 2 consecutive A bases (chr19:7,528,882-7,528,883); duplicating either gives the same sequence. VCF-style (leftmost placement, unchanged base first): chr19-7528881-G-GA. GRCh37 (hg19) VCF-style: chr19-7593767-G-GA.
Other names: c.1047dupA (NM_020533.3, NM_020533.2); c.1047dup (NM_020533.2); short protein forms F350fs.
Identifiers: ClinVar variation 370970 (VCV000370970.10), dbSNP rs1057516904, ClinGen allele CA16041990.

ClinVar aggregate classification (germline): Pathogenic/Likely pathogenic. Review status: criteria provided, multiple submitters, no conflicts (2 of 4 stars). 4 submissions from 4 submitters: Pathogenic (2); Likely pathogenic (1). 1 of the submissions does not count toward it. Last evaluated 2025-12-25.

Conditions:
Inborn genetic diseases. Identifiers: MedGen C0950123, MeSH D030342.
Mucolipidosis type IV (ML4). Also called: ML IV. Identifiers: Orphanet 578, MedGen C0238286, MONDO:0009653, OMIM 252650.

Submissions (4):

GeneDx
Classification: Pathogenic. Last evaluated: 2025-12-25. Review status: criteria provided, single submitter. Criteria: GeneDx Variant Classification Process June 2021. Collection method: clinical testing. Allele origin: germline. Affected: yes.
Comment: Frameshift variant predicted to result in protein truncation or nonsense mediated decay in a gene for which loss of function is a known mechanism of disease; Not observed at significant frequency in large population cohorts (gnomAD); Has not been previously published as pathogenic or benign to our knowledge

Natera, Inc.
Classification: Likely pathogenic for Mucolipidosis type IV. Last evaluated: 2025-02-20. Review status: criteria provided, single submitter. Criteria: Natera Variant Classification Schema (03/2026). Collection method: clinical testing. Allele origin: germline.
Comment: The c.1047dupA variant in MCOLN1 is a frameshift variant predicted to shift the reading frame beginning at codon 350 and leads to a stop codon 113 codons downstream. This variant is expected to result in nonsense mediated decay, truncation, or a dysfunctional protein product. This variant is rare in the general population with a frequency below the threshold expected for the associated phenotype(s). Given the available evidence, this variant is classified as Likely Pathogenic.

Ambry Genetics
Classification: Pathogenic for Inborn genetic diseases. Last evaluated: 2016-10-31. Review status: criteria provided, single submitter. Criteria: Ambry exome assertion method (8-5-2015). Collection method: clinical testing. Allele origin: germline. Affected: yes. Observed: 1 variant allele.

Counsyl
Classification: Likely pathogenic for Mucolipidosis type IV. Last evaluated: 2016-05-24. Review status: no assertion criteria provided. Collection method: clinical testing. Allele origin: unknown. Not counted in ClinVar's aggregate classification.